The following is an entry in ClinVar:

ClinVar aggregate classification (germline): Uncertain significance. Review status: criteria provided, multiple submitters, no conflicts (2 of 4 stars). 2 submissions from 2 submitters: Uncertain significance (2). Last evaluated 2025-12-08.

Conditions:
Mitochondrial complex II deficiency, nuclear type 1. Also called: SUCCINATE CoQ REDUCTASE DEFICIENCY. Identifiers: Orphanet 3208, MedGen C5700310, MONDO:0100294, OMIM 252011.
Pheochromocytoma/paraganglioma syndrome 5. Also called: Paragangliomas 5; SDHA-Related Hereditary Paraganglioma-Pheochromocytoma Syndrome. Identifiers: Orphanet 29072, MedGen C3279992, MONDO:0013602, OMIM 614165.
Hereditary cancer-predisposing syndrome. Also called: Tumor predisposition; Hereditary Cancer Syndrome; Neoplastic Syndromes, Hereditary; Hereditary neoplastic syndrome. Identifiers: Orphanet 140162, MedGen C0027672, MeSH D009386, MONDO:0015356.

Submissions (2):

Labcorp Genetics (formerly Invitae), Labcorp
Classification: Uncertain significance for Pheochromocytoma/paraganglioma syndrome 5; Mitochondrial complex II deficiency, nuclear type 1. Last evaluated: 2025-12-08. Review status: criteria provided, single submitter. Criteria: Invitae Variant Classification Sherloc (09022015). Collection method: clinical testing. Allele origin: germline.
Comment: This sequence change replaces leucine, which is neutral and non-polar, with arginine, which is basic and polar, at codon 237 of the SDHA protein (p.Leu237Arg). This variant is not present in population databases (gnomAD no frequency). This variant has not been reported in the literature in individuals affected with SDHA-related conditions. ClinVar contains an entry for this variant (Variation ID: 3223753). Invitae Evidence Modeling of protein sequence and biophysical properties (such as structural, functional, and spatial information, amino acid conservation, physicochemical variation, residue mobility, and thermodynamic stability) has been performed for this missense variant. However, the output from this modeling did not meet the statistical confidence thresholds required to predict the impact of this variant on SDHA protein function. In summary, the available evidence is currently insufficient to determine the role of this variant in disease. Therefore, it has been classified as a Variant of Uncertain Significance.

Ambry Genetics
Classification: Uncertain significance for Hereditary cancer-predisposing syndrome. Last evaluated: 2024-02-04. Review status: criteria provided, single submitter. Criteria: Ambry Variant Classification Scheme 2023. Collection method: clinical testing. Allele origin: germline.
Comment: The p.L237R variant (also known as c.710T>G), located in coding exon 6 of the SDHA gene, results from a T to G substitution at nucleotide position 710. The leucine at codon 237 is replaced by arginine, an amino acid with dissimilar properties. This amino acid position is conserved. In addition, this alteration is predicted to be deleterious by in silico analysis. Based on the available evidence, the clinical significance of this alteration remains unclear.

NM_004168.4(SDHA):c.710T>G (p.Leu237Arg)

Gene: SDHA (succinate dehydrogenase complex flavoprotein subunit A; plus strand). Cytogenetic location: 5p15.33.
Variant type: single nucleotide variant.
Coding change: c.710T>G on transcript NM_004168.4 (MANE Select); coding-DNA position 710, T replaced by G.
Protein change: p.Leu237Arg; replaces leucine 237 with arginine.
Molecular consequence: missense variant.
Genome position (GRCh38, 1-based): chr5:228,273, T>G. VCF-style: chr5-228273-T-G. GRCh37 (hg19) VCF-style: chr5-228388-T-G.
Other names: c.566T>G, p.Leu189Arg (NM_001294332.2); c.710T>G, p.Leu237Arg (NM_001330758.2); short protein forms L189R, L237R.
Identifiers: ClinVar variation 3223753 (VCV003223753.2), dbSNP rs2477316485, ClinGen allele CA359011006.